The following is an entry in ClinVar:

NM_001035.3(RYR2):c.2630A>C (p.His877Pro)

Gene: RYR2 (ryanodine receptor 2; plus strand). Cytogenetic location: 1q43.
Variant type: single nucleotide variant.
Coding change: c.2630A>C on transcript NM_001035.3 (MANE Select); coding-DNA position 2630, A replaced by C.
Protein change: p.His877Pro; replaces histidine 877 with proline.
Molecular consequence: missense variant.
Genome position (GRCh38, 1-based): chr1:237,506,726, A>C. VCF-style: chr1-237506726-A-C. GRCh37 (hg19) VCF-style: chr1-237670026-A-C.
Other names: p.His877Pro; c.2630A>C, p.His877Pro (LRG_402t1); short protein forms H877P.
Identifiers: ClinVar variation 180489 (VCV000180489.40), dbSNP rs561321743, ClinGen allele CA008911.

ClinVar aggregate classification (germline): Conflicting classifications of pathogenicity. Review status: criteria provided, conflicting classifications (1 of 4 stars). 12 submissions from 12 submitters: Uncertain significance (1); Benign (3); Likely benign (7). 1 of the submissions does not count toward it. Last evaluated 2026-06-01.

Conditions:
RYR2-related disorder. Also called: RYR2-related condition.
Cardiovascular phenotype. Identifiers: MedGen CN230736.
Catecholaminergic polymorphic ventricular tachycardia 1. Also called: VENTRICULAR TACHYCARDIA, CATECHOLAMINERGIC POLYMORPHIC, 1, WITH OR WITHOUT ATRIAL DYSFUNCTION AND/OR DILATED CARDIOMYOPATHY; VENTRICULAR TACHYCARDIA, STRESS-INDUCED POLYMORPHIC 1; RYR2-Related Catecholaminergic Polymorphic Ventricular Tachycardia. Identifiers: Orphanet 3286, MedGen C1631597, MONDO:0011484, OMIM 604772.
Cardiomyopathy (CMYO). Also called: Cardiomyopathies. Identifiers: Orphanet 167848, MedGen C0878544, MONDO:0004994, HP:0001638. Inheritance: Various modes of inheritance.
Hypertrophic cardiomyopathy. Also called: HYPERTROPHIC MYOCARDIOPATHY. Identifiers: Orphanet 217569, MedGen C0007194, MeSH D002312, MONDO:0005045, HP:0001639.

Allele frequency attached by ClinVar (database versions not stated): ExAC 0.00080; gnomAD exomes 0.00080 and 0.00016; gnomAD 0.00011; 1000 Genomes Project 0.00020; 1000 Genomes Project 30x 0.00031; TOPMed 0.00056.
gnomAD v4.1: 239 of 1,612,868 alleles (0.015%); highest among the groups gnomAD compares: Admixed American, 0.39%; no homozygotes.

Submissions (13):

CeGaT Center for Human Genetics Tuebingen
Classification: Likely benign. Last evaluated: 2026-06-01. Review status: criteria provided, single submitter. Criteria: CeGaT Center For Human Genetics Tuebingen Variant Classification Criteria Version 2. Collection method: clinical testing. Allele origin: germline. Affected: yes. Observed: 7 variant alleles.
Comment: RYR2: BS1

Labcorp Genetics (formerly Invitae), Labcorp
Classification: Benign for Catecholaminergic polymorphic ventricular tachycardia 1. Last evaluated: 2026-01-13. Review status: criteria provided, single submitter. Criteria: Invitae Variant Classification Sherloc (09022015). Collection method: clinical testing. Allele origin: germline.

Mayo Clinic Laboratories, Mayo Clinic
Classification: Likely benign. Last evaluated: 2025-09-11. Review status: criteria provided, single submitter. Criteria: ACMG Guidelines, 2015. Collection method: clinical testing. Allele origin: germline. Observed: 3 variant alleles.
Comment: BS1, PP3_moderate

ARUP Laboratories, Molecular Genetics and Genomics, ARUP Laboratories
Classification: Likely benign. Last evaluated: 2025-06-05. Review status: criteria provided, single submitter. Criteria: ARUP Molecular Germline Variant Investigation Process 2024. Collection method: clinical testing. Allele origin: germline.

Blueprint Genetics
Classification: Uncertain significance. Last evaluated: 2024-09-20. Review status: criteria provided, single submitter. Criteria: ACMG Guidelines, 2015. Collection method: clinical testing. Allele origin: germline.

GeneDx
Classification: Likely benign. Last evaluated: 2020-02-13. Review status: criteria provided, single submitter. Criteria: GeneDx Variant Classification Process June 2021. Collection method: clinical testing. Allele origin: germline. Affected: yes.
Comment: This variant is associated with the following publications: (PMID: 28404607)

Center for Advanced Laboratory Medicine, UC San Diego Health, University of California San Diego
Classification: Likely benign for Hypertrophic cardiomyopathy. Last evaluated: 2018-12-24. Review status: criteria provided, single submitter. Criteria: ACMG Guidelines, 2015. Collection method: clinical testing. Allele origin: germline. Affected: yes. Observed: 1 variant allele.

Women's Health and Genetics/Laboratory Corporation of America, LabCorp
Classification: Benign. Last evaluated: 2018-11-05. Review status: criteria provided, single submitter. Criteria: LabCorp Variant Classification Summary - May 2015. Collection method: clinical testing. Allele origin: germline.
Comment: Variant summary: RYR2 c.2630A>C (p.His877Pro) results in a non-conservative amino acid change located in the Ryanodine receptor Ryr domain of the encoded protein sequence. Five of five in-silico tools predict a damaging effect of the variant on protein function. The variant allele was found at a frequency of 0.00071 in 276002 control chromosomes, predominantly within the Latino subpopulation at a frequency of 0.0055 in the gnomAD database. The observed variant frequency within Latino control individuals is approximately 92-fold above the estimated maximal expected allele frequency for a pathogenic variant in RYR2 causing Arrhythmia phenotype (6e-05), strongly suggesting that the variant is a benign polymorphism found primarily in populations of Latino origin. To our knowledge, no occurrence of c.2630A>C in individuals affected with Arrhythmia and no experimental evidence demonstrating its impact on protein function have been reported. Three clinical diagnostic laboratories have submitted clinical-significance assessments for this variant to ClinVar after 2014 without evidence for independent evaluation and all classified the variant as benign/likely benign. Based on the evidence outlined above, the variant was classified as benign.

Color Diagnostics, LLC DBA Color Health
Classification: Benign for Cardiomyopathy. Last evaluated: 2018-10-03. Review status: criteria provided, single submitter. Criteria: ACMG Guidelines, 2015. Collection method: clinical testing. Allele origin: germline.

Ambry Genetics
Classification: Likely benign for Cardiovascular phenotype. Last evaluated: 2018-07-11. Review status: criteria provided, single submitter. Criteria: Ambry Variant Classification Scheme 2023. Collection method: clinical testing. Allele origin: germline.

Eurofins Ntd Llc (ga)
Classification: Likely benign. Last evaluated: 2015-04-20. Review status: criteria provided, single submitter. Criteria: EGL Classification Definitions 2015. Collection method: clinical testing. Allele origin: germline. Observed: 1 variant allele, 1 heterozygote.

PreventionGenetics, part of Exact Sciences
Classification: Benign for RYR2-related condition. Last evaluated: 2024-06-08. Review status: no assertion criteria provided. Collection method: clinical testing. Allele origin: germline. Not counted in ClinVar's aggregate classification.
Comment: This variant is classified as benign based on ACMG/AMP sequence variant interpretation guidelines (Richards et al. 2015 PMID: 25741868, with internal and published modifications).

Dr. Peter K. Rogan Lab, Western University
No classification provided (evidence only). Condition: Clear cell carcinoma of kidney. Review status: no classification provided. Collection method: in vitro. Allele origin: not applicable. Functional consequence: retained intron. Not counted in ClinVar's aggregate classification.

Literature cited by the submitters: PubMed 28404607 (cited by Ambry Genetics).